The following is an entry in ClinVar:

ClinVar aggregate classification (germline): Uncertain significance (1 of 4 stars; one submission).

Submission:

GeneDx
Classification: Uncertain significance. Last evaluated: 2024-09-19. Review status: criteria provided, single submitter. Criteria: GeneDx Variant Classification Process June 2021. Collection method: clinical testing. Allele origin: germline. Affected: yes.
Comment: Not observed at significant frequency in large population cohorts (gnomAD); In silico analysis supports that this missense variant has a deleterious effect on protein structure/function; Has not been previously published as pathogenic or benign to our knowledge

NM_015107.3(PHF8):c.124G>A (p.Ala42Thr)

Gene: PHF8 (PHD finger protein 8; minus strand). Cytogenetic location: Xp11.22.
Variant type: single nucleotide variant.
Coding change: c.124G>A on transcript NM_015107.3 (MANE Select); coding-DNA position 124, G replaced by A.
Protein change: p.Ala42Thr; replaces alanine 42 with threonine.
Molecular consequence: missense variant.
Genome position (GRCh38, 1-based): chrX:54,022,818, C>T on the plus strand (G>A on the coding strand, the complement: PHF8 is on the minus strand). VCF-style: chrX-54022818-C-T. GRCh37 (hg19) VCF-style: chrX-54049251-C-T.
Other names: c.232G>A, p.Ala78Thr (NM_001184896.1); c.124G>A, p.Ala42Thr (NM_001184897.2, NM_001184898.2); short protein forms A42T, A78T.
Identifiers: ClinVar variation 3774144 (VCV003774144.1).